The following is an entry in ClinVar:

ClinVar aggregate classification (germline): Uncertain significance (1 of 4 stars; one submission).

Conditions:
MHC class I deficiency. Identifiers: Orphanet 34592, MedGen C6024714, MONDO:0011476.

Allele frequency attached by ClinVar (database versions not stated): gnomAD exomes below 0.00001.
gnomAD v4.1: 2 of 1,613,128 alleles (0.00012%); highest among the groups gnomAD compares: South Asian, 0.0011%; no homozygotes.

Submission:

Labcorp Genetics (formerly Invitae), Labcorp
Classification: Uncertain significance for MHC class I deficiency 1. Last evaluated: 2022-09-19. Review status: criteria provided, single submitter. Criteria: Invitae Variant Classification Sherloc (09022015). Collection method: clinical testing. Allele origin: germline.
Comment: In summary, the available evidence is currently insufficient to determine the role of this variant in disease. Therefore, it has been classified as a Variant of Uncertain Significance. Algorithms developed to predict the effect of sequence changes on RNA splicing suggest that this variant may create or strengthen a splice site. Algorithms developed to predict the effect of missense changes on protein structure and function are either unavailable or do not agree on the potential impact of this missense change (SIFT: "Tolerated"; PolyPhen-2: "Not Available"; Align-GVGD: "Class C0"). ClinVar contains an entry for this variant (Variation ID: 1036700). This variant has not been reported in the literature in individuals affected with TAP2-related conditions. This variant is present in population databases (no rsID available, gnomAD 0.0009%). This sequence change replaces aspartic acid, which is acidic and polar, with glycine, which is neutral and non-polar, at codon 574 of the TAP2 protein (p.Asp574Gly).

NM_001290043.2(TAP2):c.1721A>G (p.Asp574Gly)

Gene: TAP2 (transporter 2, ATP binding cassette subfamily B member; minus strand). Cytogenetic location: 6p21.32.
Variant type: single nucleotide variant.
Coding change: c.1721A>G on transcript NM_001290043.2 (MANE Select); coding-DNA position 1721, A replaced by G.
Protein change: p.Asp574Gly; replaces aspartic acid 574 with glycine.
Molecular consequence: missense variant.
Genome position (GRCh38, 1-based): chr6:32,830,004, T>C on the plus strand (A>G on the coding strand, the complement: TAP2 is on the minus strand). VCF-style: chr6-32830004-T-C. GRCh37 (hg19) VCF-style: chr6-32797781-T-C.
Other names: c.1721A>G, p.Asp574Gly (NM_000544.3, NM_018833.3); short protein forms D574G.
Identifiers: ClinVar variation 1036700 (VCV001036700.6), dbSNP rs899328471, ClinGen allele CA136998255.